The following is an entry in ClinVar:

ClinVar aggregate classification (germline): Uncertain significance (1 of 4 stars; one submission).

Submission:

Labcorp Genetics (formerly Invitae), Labcorp
Classification: Uncertain significance. Last evaluated: 2024-10-28. Review status: criteria provided, single submitter. Criteria: Invitae Variant Classification Sherloc (09022015). Collection method: clinical testing. Allele origin: germline.
Comment: This sequence change replaces threonine, which is neutral and polar, with serine, which is neutral and polar, at codon 856 of the TMTC3 protein (p.Thr856Ser). This variant is not present in population databases (gnomAD no frequency). This variant has not been reported in the literature in individuals affected with TMTC3-related conditions. ClinVar contains an entry for this variant (Variation ID: 1924111). An algorithm developed to predict the effect of missense changes on protein structure and function (PolyPhen-2) suggests that this variant is likely to be tolerated. In summary, the available evidence is currently insufficient to determine the role of this variant in disease. Therefore, it has been classified as a Variant of Uncertain Significance.

NM_181783.4(TMTC3):c.2566A>T (p.Thr856Ser)

Gene: TMTC3 (transmembrane O-mannosyltransferase targeting cadherins 3; plus strand). Cytogenetic location: 12q21.32.
Variant type: single nucleotide variant.
Coding change: c.2566A>T on transcript NM_181783.4 (MANE Select); coding-DNA position 2566, A replaced by T.
Protein change: p.Thr856Ser; replaces threonine 856 with serine.
Molecular consequence: missense variant. On other transcripts: non-coding transcript variant (1).
Genome position (GRCh38, 1-based): chr12:88,195,470, A>T. VCF-style: chr12-88195470-A-T. GRCh37 (hg19) VCF-style: chr12-88589247-A-T.
Other names: c.2386A>T, p.Thr796Ser (NM_001366574.1); c.2347A>T, p.Thr783Ser (NM_001366579.1); c.2299A>T, p.Thr767Ser (NM_001366580.1); c.1873A>T, p.Thr625Ser (NM_001366583.1); short protein forms T625S, T767S, T856S, T783S, T796S.
Identifiers: ClinVar variation 1924111 (VCV001924111.5), dbSNP rs932502565, ClinGen allele CA241477305.